The following is an entry in ClinVar:

ClinVar aggregate classification (germline): Uncertain significance (1 of 4 stars; one submission).

Allele frequency attached by ClinVar (database versions not stated): gnomAD exomes below 0.00001; TOPMed 0.00001.
gnomAD v4.1: 3 of 1,601,820 alleles (0.00019%); highest among the groups gnomAD compares: African/African-American, 0.0013%; no homozygotes.

Submission:

Labcorp Genetics (formerly Invitae), Labcorp
Classification: Uncertain significance. Last evaluated: 2022-10-18. Review status: criteria provided, single submitter. Criteria: Invitae Variant Classification Sherloc (09022015). Collection method: clinical testing. Allele origin: germline.
Comment: This sequence change replaces aspartic acid, which is acidic and polar, with glycine, which is neutral and non-polar, at codon 343 of the GFM2 protein (p.Asp343Gly). This variant is not present in population databases (gnomAD no frequency). This variant has not been reported in the literature in individuals affected with GFM2-related conditions. Advanced modeling of protein sequence and biophysical properties (such as structural, functional, and spatial information, amino acid conservation, physicochemical variation, residue mobility, and thermodynamic stability) performed at Invitae indicates that this missense variant is expected to disrupt GFM2 protein function. In summary, the available evidence is currently insufficient to determine the role of this variant in disease. Therefore, it has been classified as a Variant of Uncertain Significance.

NM_032380.5(GFM2):c.1028A>G (p.Asp343Gly)

Gene: GFM2 (GTP dependent ribosome recycling factor mitochondrial 2; minus strand). Cytogenetic location: 5q13.3.
Variant type: single nucleotide variant.
Coding change: c.1028A>G on transcript NM_032380.5 (MANE Select); coding-DNA position 1028, A replaced by G.
Protein change: p.Asp343Gly; replaces aspartic acid 343 with glycine.
Molecular consequence: missense variant. On other transcripts: non-coding transcript variant (1).
Genome position (GRCh38, 1-based): chr5:74,740,040, T>C on the plus strand (A>G on the coding strand, the complement: GFM2 is on the minus strand). VCF-style: chr5-74740040-T-C. GRCh37 (hg19) VCF-style: chr5-74035865-T-C.
Other names: c.1124A>G, p.Asp375Gly (NM_001281302.2); c.1028A>G, p.Asp343Gly (NM_170681.3, NM_170691.3); short protein forms D343G, D375G.
Identifiers: ClinVar variation 2880055 (VCV002880055.3), dbSNP rs1743036730, ClinGen allele CA360080885.